The following is an entry in ClinVar:

NM_001134363.3(RBM20):c.1056C>T (p.Pro352=)

Gene: RBM20 (RNA binding motif protein 20; plus strand). Cytogenetic location: 10q25.2.
Variant type: single nucleotide variant.
Coding change: c.1056C>T on transcript NM_001134363.3 (MANE Select); coding-DNA position 1056, C replaced by T.
Protein change: p.Pro352=; no amino-acid change (proline 352 retained).
Molecular consequence: synonymous variant.
Genome position (GRCh38, 1-based): chr10:110,781,665, C>T. VCF-style: chr10-110781665-C-T. GRCh37 (hg19) VCF-style: chr10-112541423-C-T.
Identifiers: ClinVar variation 696729 (VCV000696729.38), dbSNP rs397516590, ClinGen allele CA213235035.

ClinVar aggregate classification (germline): Likely benign. Review status: criteria provided, multiple submitters, no conflicts (2 of 4 stars). 4 submissions from 4 submitters: Likely benign (4). Last evaluated 2026-01-26.

Conditions:
Cardiovascular phenotype. Identifiers: MedGen CN230736.
Dilated cardiomyopathy 1DD (CMD1DD). Identifiers: Orphanet 154, MedGen C2750995, MONDO:0013168, OMIM 613172.

Allele frequency attached by ClinVar (database versions not stated): TOPMed 0.00006.
gnomAD v4.1: 47 of 1,548,106 alleles (0.003%); highest among the groups gnomAD compares: Non-Finnish European, 0.00079%; no homozygotes.

Submissions (4):

Labcorp Genetics (formerly Invitae), Labcorp
Classification: Likely benign for Dilated cardiomyopathy 1DD. Last evaluated: 2026-01-26. Review status: criteria provided, single submitter. Criteria: Invitae Variant Classification Sherloc (09022015). Collection method: clinical testing. Allele origin: germline.

CeGaT Center for Human Genetics Tuebingen
Classification: Likely benign. Last evaluated: 2024-06-01. Review status: criteria provided, single submitter. Criteria: CeGaT Center For Human Genetics Tuebingen Variant Classification Criteria Version 2. Collection method: clinical testing. Allele origin: germline. Affected: yes. Observed: 3 variant alleles.
Comment: RBM20: BP4, BP7

Blueprint Genetics
Classification: Likely benign. Last evaluated: 2024-04-25. Review status: criteria provided, single submitter. Criteria: ACMG Guidelines, 2015. Collection method: clinical testing. Allele origin: germline.

Ambry Genetics
Classification: Likely benign for Cardiovascular phenotype. Last evaluated: 2020-06-08. Review status: criteria provided, single submitter. Criteria: Ambry Variant Classification Scheme 2023. Collection method: clinical testing. Allele origin: germline.